The following is an entry in ClinVar:

ClinVar aggregate classification (germline): Likely pathogenic (1 of 4 stars; one submission).

Conditions:
Telangiectasia, hereditary hemorrhagic, type 1 (HHT1). Also called: Osler Weber Rendu syndrome type 1; ENG-Related Hereditary Hemorrhagic Telangiectasia. Identifiers: Orphanet 774, MedGen C4551861, MONDO:0008535, OMIM 187300. Disease mechanism: loss of function.

Submission:

Victorian Clinical Genetics Services, Murdoch Childrens Research Institute
Classification: Likely pathogenic for Telangiectasia, hereditary hemorrhagic, type 1. Last evaluated: 2022-06-24. Review status: criteria provided, single submitter. Criteria: ACMG Guidelines, 2015. Collection method: clinical testing. Allele origin: germline. Inheritance: Autosomal dominant inheritance.
Comment: Based on the classification scheme VCGS_Germline_v1.3.4, this variant is classified as Likely Pathogenic. Following criteria are met: 0104 - Dominant negative is a likely mechanism of disease in this gene and is associated with PSEN1-related disease (PMID: 29142009). (I) 0107 - This gene is associated with autosomal dominant disease. (I) 0200 - Variant is predicted to result in a missense amino acid change from valine to aspartic acid. (I) 0251 - This variant is heterozygous. (I) 0301 - Variant is absent from gnomAD (both v2 and v3). (SP) 0501 - Missense variant consistently predicted to be damaging by multiple in silico tools and highly conserved with a major amino acid change. (SP) 0600 - Variant is located in the annotated presenilin domain (DECIPHER). (I) 0704 - Another missense variant comparable to the one identified in this case has limited previous evidence for pathogenicity. The p.(Val103Gly) variant has been reported in one individual with early-onset Alzheimer disease and classified as probably pathogenic based on computational modelling although a subsequent review paper classifies it as a VUS (no justification provided). It has also been identified in another individual with early-onset Alzheimer disease and classified as likely pathogenic by a clinical diagnostic laboratory (Clinvar, PMIDs: 30822634, 32235595). (I) 0807 - This variant has no previous evidence of pathogenicity. (I) 0905 - No published segregation evidence has been identified for this variant. (I) 1007 - No published functional evidence has been identified for this variant. (SP) Legend: (SP) - Supporting pathogenic, (I) - Information, (SB) - Supporting benign

Literature cited by the submitters: PubMed 29142009; PubMed 30822634; PubMed 32235595.

NM_000021.4(PSEN1):c.308T>A (p.Val103Asp)

Gene: PSEN1 (presenilin 1; plus strand). Cytogenetic location: 14q24.2.
Variant type: single nucleotide variant.
Coding change: c.308T>A on transcript NM_000021.4 (MANE Select); coding-DNA position 308, T replaced by A.
Protein change: p.Val103Asp; replaces valine 103 with aspartic acid.
Molecular consequence: missense variant.
Genome position (GRCh38, 1-based): chr14:73,171,017, T>A. VCF-style: chr14-73171017-T-A. GRCh37 (hg19) VCF-style: chr14-73637725-T-A.
Other names: c.296T>A, p.Val99Asp (NM_007318.3); short protein forms V103D, V99D.
Identifiers: ClinVar variation 1805408 (VCV001805408.1), dbSNP rs1897876766, ClinGen allele CA390303547.